The following is an entry in ClinVar:

ClinVar aggregate classification (germline): Uncertain significance (1 of 4 stars; one submission).

Submission:

GeneDx
Classification: Uncertain significance. Last evaluated: 2024-07-11. Review status: criteria provided, single submitter. Criteria: GeneDx Variant Classification Process June 2021. Collection method: clinical testing. Allele origin: germline. Affected: yes.
Comment: Not observed at significant frequency in large population cohorts (gnomAD); In silico analysis indicates that this missense variant does not alter protein structure/function; Has not been previously published as pathogenic or benign to our knowledge

NM_018489.3(ASH1L):c.2770T>C (p.Ser924Pro)

Gene: ASH1L (ASH1 like histone lysine methyltransferase; minus strand). Cytogenetic location: 1q22.
Variant type: single nucleotide variant.
Coding change: c.2770T>C on transcript NM_018489.3 (MANE Select); coding-DNA position 2770, T replaced by C.
Protein change: p.Ser924Pro; replaces serine 924 with proline.
Molecular consequence: missense variant.
Genome position (GRCh38, 1-based): chr1:155,480,100, A>G on the plus strand (T>C on the coding strand, the complement: ASH1L is on the minus strand). VCF-style: chr1-155480100-A-G. GRCh37 (hg19) VCF-style: chr1-155449891-A-G.
Other names: c.2770T>C, p.Ser924Pro (NM_001366177.2); short protein forms S924P.
Identifiers: ClinVar variation 3572751 (VCV003572751.1).
Genomic context (GRCh38, chr1:155,480,100, plus strand): 5'-CCTGAAGTTGATCCTCGCTCTCAAAGAAATCACTGCTACTTCTATGGTTGTCACTTTCAG[A>G]TTCTAGCTTGCTTGGACTTTCAGTGGCAACAAATGGAGCCACTGACAGTACAGGTGGCTT-3'
Protein context (NP_060959.2, residues 914-934): VATESPSKLE[Ser924Pro]ESDNHRSSSD